The following is an entry in ClinVar:

ClinVar aggregate classification (germline): Benign/Likely benign. Review status: criteria provided, multiple submitters, no conflicts (2 of 4 stars). 5 submissions from 5 submitters: Benign (3); Likely benign (2). Last evaluated 2025-04-19.

Conditions:
TRIO-related disorder. Also called: TRIO-related condition; TRIO-related disorders.

Allele frequency attached by ClinVar (database versions not stated): 1000 Genomes Project 30x 0.00016; 1000 Genomes Project 0.00020; TOPMed 0.00065; ESP Exome Variant Server 0.00069; gnomAD 0.00069 and 0.00071; gnomAD exomes 0.00073.
gnomAD v4.1: 1,255 of 1,613,636 alleles (0.078%); highest among the groups gnomAD compares: South Asian, 0.21%; 13 homozygotes.

Submissions (5):

PreventionGenetics, part of Exact Sciences
Classification: Likely benign for TRIO-related condition. Last evaluated: 2025-04-19. Review status: criteria provided, single submitter. Criteria: ACMG Guidelines, 2015. Collection method: clinical testing. Allele origin: germline.
Comment: This variant is classified as likely benign based on ACMG/AMP sequence variant interpretation guidelines (Richards et al. 2015 PMID: 25741868, with internal and published modifications).

CeGaT Center for Human Genetics Tuebingen
Classification: Likely benign. Last evaluated: 2023-04-01. Review status: criteria provided, single submitter. Criteria: CeGaT Center For Human Genetics Tuebingen Variant Classification Criteria Version 2. Collection method: clinical testing. Allele origin: germline. Affected: yes. Observed: 3 variant alleles.
Comment: TRIO: BP4, BP7

Labcorp Genetics (formerly Invitae), Labcorp
Classification: Benign. Last evaluated: 2019-12-31. Review status: criteria provided, single submitter. Criteria: Invitae Variant Classification Sherloc (09022015). Collection method: clinical testing. Allele origin: germline.

GeneDx
Classification: Benign. Last evaluated: 2019-07-25. Review status: criteria provided, single submitter. Criteria: GeneDx Variant Classification Process June 2021. Collection method: clinical testing. Allele origin: germline. Affected: yes.

Breakthrough Genomics
Classification: Benign. Review status: criteria provided, single submitter. Criteria: ACMG Guidelines, 2015. Collection method: not provided. Allele origin: germline. Inheritance: Autosomal dominant inheritance. Affected: yes.

NM_007118.4(TRIO):c.3276C>T (p.Ser1092=)

Gene: TRIO (trio Rho guanine nucleotide exchange factor; plus strand). Cytogenetic location: 5p15.2.
Variant type: single nucleotide variant.
Coding change: c.3276C>T on transcript NM_007118.4 (MANE Select); coding-DNA position 3276, C replaced by T.
Protein change: p.Ser1092=; no amino-acid change (serine 1092 retained).
Molecular consequence: synonymous variant. On other transcripts: non-coding transcript variant (1).
Genome position (GRCh38, 1-based): chr5:14,374,288, C>T. VCF-style: chr5-14374288-C-T. GRCh37 (hg19) VCF-style: chr5-14374397-C-T.
Identifiers: ClinVar variation 736165 (VCV000736165.32), dbSNP rs145133665, ClinGen allele CA3206138.